The following is an entry in ClinVar:

ClinVar aggregate classification (germline): Uncertain significance (1 of 4 stars; one submission).

Allele frequency attached by ClinVar (database versions not stated): TOPMed below 0.00001.

Submission:

Labcorp Genetics (formerly Invitae), Labcorp
Classification: Uncertain significance. Last evaluated: 2023-01-25. Review status: criteria provided, single submitter. Criteria: Invitae Variant Classification Sherloc (09022015). Collection method: clinical testing. Allele origin: germline.
Comment: In summary, the available evidence is currently insufficient to determine the role of this variant in disease. Therefore, it has been classified as a Variant of Uncertain Significance. Advanced modeling of protein sequence and biophysical properties (such as structural, functional, and spatial information, amino acid conservation, physicochemical variation, residue mobility, and thermodynamic stability) performed at Invitae indicates that this missense variant is not expected to disrupt NACC1 protein function. This variant has not been reported in the literature in individuals affected with NACC1-related conditions. This variant is not present in population databases (gnomAD no frequency). This sequence change replaces serine, which is neutral and polar, with asparagine, which is neutral and polar, at codon 15 of the NACC1 protein (p.Ser15Asn).

NM_052876.4(NACC1):c.44G>A (p.Ser15Asn)

Gene: NACC1 (nucleus accumbens associated 1; plus strand). Cytogenetic location: 19p13.13.
Variant type: single nucleotide variant.
Coding change: c.44G>A on transcript NM_052876.4 (MANE Select); coding-DNA position 44, G replaced by A.
Protein change: p.Ser15Asn; replaces serine 15 with asparagine.
Molecular consequence: missense variant.
Genome position (GRCh38, 1-based): chr19:13,135,251, G>A. VCF-style: chr19-13135251-G-A. GRCh37 (hg19) VCF-style: chr19-13246065-G-A.
Other names: short protein forms S15N.
Identifiers: ClinVar variation 2978443 (VCV002978443.3), dbSNP rs2019685284, ClinGen allele CA404323994.